The following is an entry in ClinVar:

NM_006379.5(SEMA3C):c.888C>T (p.Asp296=)

Gene: SEMA3C (semaphorin 3C; minus strand). Cytogenetic location: 7q21.11.
Variant type: single nucleotide variant.
Coding change: c.888C>T on transcript NM_006379.5 (MANE Select); coding-DNA position 888, C replaced by T.
Protein change: p.Asp296=; no amino-acid change (aspartic acid 296 retained).
Molecular consequence: synonymous variant.
Genome position (GRCh38, 1-based): chr7:80,802,693, G>A on the plus strand (C>T on the coding strand, the complement: SEMA3C is on the minus strand). VCF-style: chr7-80802693-G-A. GRCh37 (hg19) VCF-style: chr7-80432009-G-A.
Other names: c.942C>T, p.Asp314= (NM_001350120.2); c.714C>T, p.Asp238= (NM_001350121.2).
Identifiers: ClinVar variation 3032068 (VCV003032068.2), dbSNP rs145213092, ClinGen allele CA4316299.

ClinVar aggregate classification (germline): Likely benign (0 of 4 stars; one submission).

Conditions:
SEMA3C-related disorder. Also called: SEMA3C-related condition.

Allele frequency attached by ClinVar (database versions not stated): gnomAD 0.00001; ExAC 0.00002; TOPMed 0.00002; gnomAD exomes 0.00003; ESP Exome Variant Server 0.00015.
gnomAD v4.1: 43 of 1,612,798 alleles (0.0027%); highest among the groups gnomAD compares: Admixed American, 0.005%; no homozygotes.

Submission:

PreventionGenetics, part of Exact Sciences
Classification: Likely benign for SEMA3C-related condition. Last evaluated: 2024-01-03. Review status: no assertion criteria provided. Collection method: clinical testing. Allele origin: germline.
Comment: This variant is classified as likely benign based on ACMG/AMP sequence variant interpretation guidelines (Richards et al. 2015 PMID: 25741868, with internal and published modifications).